The following is an entry in ClinVar:

NM_152564.5(VPS13B):c.7153G>A (p.Asp2385Asn)

Gene: VPS13B (vacuolar protein sorting 13 homolog B; plus strand). Cytogenetic location: 8q22.2.
Variant type: single nucleotide variant.
Coding change: c.7153G>A on transcript NM_152564.5 (MANE Select); coding-DNA position 7153, G replaced by A.
Protein change: p.Asp2385Asn; replaces aspartic acid 2385 with asparagine.
Molecular consequence: missense variant.
Genome position (GRCh38, 1-based): chr8:99,766,876, G>A. VCF-style: chr8-99766876-G-A. GRCh37 (hg19) VCF-style: chr8-100779104-G-A.
Other names: c.7228G>A, p.Asp2410Asn (NM_017890.5); c.7153G>A (NM_152564.4); short protein forms D2410N, D2385N.
Identifiers: ClinVar variation 1487763 (VCV001487763.7), dbSNP rs1347208371, ClinGen allele CA371874291.

ClinVar aggregate classification (germline): Uncertain significance. Review status: criteria provided, multiple submitters, no conflicts (2 of 4 stars). 3 submissions from 3 submitters: Uncertain significance (3). Last evaluated 2025-11-12.

Conditions:
VPS13B-related disorder. Also called: VPS13B-related condition.
Cohen syndrome (COH1). Also called: Cutis verticis gyrata, retinitis pigmentosa, and sensorineural deafness; PEPPER SYNDROME. Identifiers: Orphanet 193, MedGen C0265223, MONDO:0008999, OMIM 216550.

Allele frequency attached by ClinVar (database versions not stated): gnomAD exomes below 0.00001; TOPMed 0.00001.
gnomAD v4.1: 7 of 1,613,994 alleles (0.00043%); highest among the groups gnomAD compares: Non-Finnish European, 0.00051%; no homozygotes.

Submissions (3):

PreventionGenetics, part of Exact Sciences
Classification: Uncertain significance for VPS13B-related condition. Last evaluated: 2025-11-12. Review status: criteria provided, single submitter. Criteria: ACMG Guidelines, 2015. Collection method: clinical testing. Allele origin: germline.
Comment: The VPS13B c.7153G>A variant is predicted to result in the amino acid substitution p.Asp2385Asn. To our knowledge, this variant has not been reported in the literature. This variant is reported in 0.00088% of alleles in individuals of European (Non-Finnish) descent in gnomAD. At this time, the clinical significance of this variant is uncertain due to the absence of conclusive functional and genetic evidence.

Department of Pathology and Laboratory Medicine, Sinai Health System
Classification: Uncertain significance for Cohen syndrome. Last evaluated: 2022-08-03. Review status: criteria provided, single submitter. Criteria: ACMG Guidelines, 2015. Collection method: research. Allele origin: germline.

Labcorp Genetics (formerly Invitae), Labcorp
Classification: Uncertain significance for Cohen syndrome. Last evaluated: 2022-03-10. Review status: criteria provided, single submitter. Criteria: Invitae Variant Classification Sherloc (09022015). Collection method: clinical testing. Allele origin: germline.
Comment: This sequence change replaces aspartic acid, which is acidic and polar, with asparagine, which is neutral and polar, at codon 2410 of the VPS13B protein (p.Asp2410Asn). This variant is present in population databases (no rsID available, gnomAD 0.0009%). This variant has not been reported in the literature in individuals affected with VPS13B-related conditions. Algorithms developed to predict the effect of missense changes on protein structure and function are either unavailable or do not agree on the potential impact of this missense change (SIFT: "Not Available"; PolyPhen-2: "Possibly Damaging"; Align-GVGD: "Not Available"). In summary, the available evidence is currently insufficient to determine the role of this variant in disease. Therefore, it has been classified as a Variant of Uncertain Significance.